The following is an entry in ClinVar:

ClinVar aggregate classification (germline): Uncertain significance (1 of 4 stars; one submission).

Conditions:
Inborn genetic diseases. Identifiers: MedGen C0950123, MeSH D030342.

Submission:

Ambry Genetics
Classification: Uncertain significance for Inborn genetic diseases. Last evaluated: 2024-11-30. Review status: criteria provided, single submitter. Criteria: Ambry Variant Classification Scheme 2023. Collection method: clinical testing. Allele origin: germline.
Comment: The p.R389K variant (also known as c.1166G>A), located in coding exon 1 of the SAMD9 gene, results from a G to A substitution at nucleotide position 1166. The arginine at codon 389 is replaced by lysine, an amino acid with highly similar properties. This amino acid position is conserved. In addition, this alteration is predicted to be tolerated by in silico analysis. Based on the available evidence, the clinical significance of this variant remains unclear.

NM_017654.4(SAMD9):c.1166G>A (p.Arg389Lys)

Gene: SAMD9 (sterile alpha motif domain containing 9; minus strand). Cytogenetic location: 7q21.2.
Variant type: single nucleotide variant.
Coding change: c.1166G>A on transcript NM_017654.4 (MANE Select); coding-DNA position 1166, G replaced by A.
Protein change: p.Arg389Lys; replaces arginine 389 with lysine.
Molecular consequence: missense variant.
Genome position (GRCh38, 1-based): chr7:93,104,932, C>T on the plus strand (G>A on the coding strand, the complement: SAMD9 is on the minus strand). VCF-style: chr7-93104932-C-T. GRCh37 (hg19) VCF-style: chr7-92734245-C-T.
Other names: c.1166G>A, p.Arg389Lys (NM_001193307.2); short protein forms R389K.
Identifiers: ClinVar variation 3437063 (VCV003437063.1).